The following is an entry in ClinVar:

ClinVar aggregate classification (germline): Benign/Likely benign. Review status: criteria provided, multiple submitters, no conflicts (2 of 4 stars). 2 submissions from 2 submitters: Benign (1); Likely benign (1). Last evaluated 2026-04-30.

Conditions:
Colorectal cancer, hereditary nonpolyposis, type 7. Identifiers: Orphanet 144, MedGen C1858380, MONDO:0013725, OMIM 614385.

Allele frequency attached by ClinVar (database versions not stated): gnomAD exomes below 0.00001.
gnomAD v4.1: 1 of 1,613,320 alleles (0.000062%); highest among the groups gnomAD compares: Non-Finnish European, 0.000085%; no homozygotes.

Submissions (2):

Myriad Genetics, Inc.
Classification: Benign for Colorectal cancer, hereditary nonpolyposis, type 7. Last evaluated: 2026-04-30. Review status: criteria provided, single submitter. Criteria: Myriad Autosomal Dominant, Autosomal Recessive and X-Linked Classification Criteria (2023). Collection method: clinical testing. Allele origin: unknown.
Comment: This variant is considered benign. This variant is a silent/synonymous amino acid change and it is not expected to impact splicing.

Labcorp Genetics (formerly Invitae), Labcorp
Classification: Likely benign for Colorectal cancer, hereditary nonpolyposis, type 7. Last evaluated: 2023-06-19. Review status: criteria provided, single submitter. Criteria: Invitae Variant Classification Sherloc (09022015). Collection method: clinical testing. Allele origin: germline.

NM_001040108.2(MLH3):c.1788T>C (p.Phe596=)

Gene: MLH3 (mutL homolog 3; minus strand). Cytogenetic location: 14q24.3.
Variant type: single nucleotide variant.
Coding change: c.1788T>C on transcript NM_001040108.2 (MANE Select); coding-DNA position 1788, T replaced by C.
Protein change: p.Phe596=; no amino-acid change (phenylalanine 596 retained).
Molecular consequence: synonymous variant.
Genome position (GRCh38, 1-based): chr14:75,047,868, A>G on the plus strand (T>C on the coding strand, the complement: MLH3 is on the minus strand). VCF-style: chr14-75047868-A-G. GRCh37 (hg19) VCF-style: chr14-75514571-A-G.
Other names: c.1788T>C, p.Phe596= (NM_014381.3).
Identifiers: ClinVar variation 1160826 (VCV001160826.10), dbSNP rs2139576031, ClinGen allele CA487273396.